The following is an entry in ClinVar:

ClinVar aggregate classification (germline): Uncertain significance. Review status: criteria provided, multiple submitters, no conflicts (2 of 4 stars). 2 submissions from 2 submitters: Uncertain significance (2). Last evaluated 2024-05-12.

Conditions:
Fanconi anemia (FA). Also called: Fanconi's anemia. Identifiers: Orphanet 84, MedGen C0015625, MeSH D005199, MONDO:0019391.

Allele frequency attached by ClinVar (database versions not stated): gnomAD exomes below 0.00001; ExAC 0.00001; gnomAD 0.00001 and 0.00002; TOPMed 0.00002; 1000 Genomes Project 30x 0.00016; 1000 Genomes Project 0.00020.
gnomAD v4.1: 9 of 1,613,348 alleles (0.00056%); highest among the groups gnomAD compares: African/African-American, 0.011%; no homozygotes.

Submissions (2):

Labcorp Genetics (formerly Invitae), Labcorp
Classification: Uncertain significance for Fanconi anemia. Last evaluated: 2024-05-12. Review status: criteria provided, single submitter. Criteria: Invitae Variant Classification Sherloc (09022015). Collection method: clinical testing. Allele origin: germline.
Comment: This sequence change replaces histidine, which is basic and polar, with arginine, which is basic and polar, at codon 217 of the FANCM protein (p.His217Arg). This variant is present in population databases (rs532404406, gnomAD 0.007%). This variant has not been reported in the literature in individuals affected with FANCM-related conditions. ClinVar contains an entry for this variant (Variation ID: 1494735). An algorithm developed to predict the effect of missense changes on protein structure and function (PolyPhen-2) suggests that this variant is likely to be disruptive. In summary, the available evidence is currently insufficient to determine the role of this variant in disease. Therefore, it has been classified as a Variant of Uncertain Significance.

GeneDx
Classification: Uncertain significance. Last evaluated: 2024-02-12. Review status: criteria provided, single submitter. Criteria: GeneDx Variant Classification Process June 2021. Collection method: clinical testing. Allele origin: germline. Affected: yes.
Comment: Not observed at significant frequency in large population cohorts (gnomAD); In silico analysis supports that this missense variant has a deleterious effect on protein structure/function; Has not been previously published as pathogenic or benign to our knowledge

NM_020937.4(FANCM):c.650A>G (p.His217Arg)

Gene: FANCM (FA complementation group M; plus strand). Cytogenetic location: 14q21.2.
Variant type: single nucleotide variant.
Coding change: c.650A>G on transcript NM_020937.4 (MANE Select); coding-DNA position 650, A replaced by G.
Protein change: p.His217Arg; replaces histidine 217 with arginine.
Molecular consequence: missense variant.
Genome position (GRCh38, 1-based): chr14:45,137,210, A>G. VCF-style: chr14-45137210-A-G. GRCh37 (hg19) VCF-style: chr14-45606413-A-G.
Other names: c.650A>G, p.His217Arg (NM_001308133.2, NM_001308134.2); c.650A>G (NM_020937.2); short protein forms H217R.
Identifiers: ClinVar variation 1494735 (VCV001494735.9), dbSNP rs532404406, ClinGen allele CA7168816.